The following is an entry in ClinVar:

NM_001040108.2(MLH3):c.1735A>T (p.Thr579Ser)

Gene: MLH3 (mutL homolog 3; minus strand). Cytogenetic location: 14q24.3.
Variant type: single nucleotide variant.
Coding change: c.1735A>T on transcript NM_001040108.2 (MANE Select); coding-DNA position 1735, A replaced by T.
Protein change: p.Thr579Ser; replaces threonine 579 with serine.
Molecular consequence: missense variant.
Genome position (GRCh38, 1-based): chr14:75,047,921, T>A on the plus strand (A>T on the coding strand, the complement: MLH3 is on the minus strand). VCF-style: chr14-75047921-T-A. GRCh37 (hg19) VCF-style: chr14-75514624-T-A.
Other names: c.1735A>T, p.Thr579Ser (NM_014381.3); short protein forms T579S.
Identifiers: ClinVar variation 2860652 (VCV002860652.3), dbSNP rs2503288276, ClinGen allele CA390444522.

ClinVar aggregate classification (germline): Uncertain significance (1 of 4 stars; one submission).

Conditions:
Colorectal cancer, hereditary nonpolyposis, type 7. Identifiers: Orphanet 144, MedGen C1858380, MONDO:0013725, OMIM 614385.

Submission:

Labcorp Genetics (formerly Invitae), Labcorp
Classification: Uncertain significance for Colorectal cancer, hereditary nonpolyposis, type 7. Last evaluated: 2023-04-29. Review status: criteria provided, single submitter. Criteria: Invitae Variant Classification Sherloc (09022015). Collection method: clinical testing. Allele origin: germline.
Comment: In summary, the available evidence is currently insufficient to determine the role of this variant in disease. Therefore, it has been classified as a Variant of Uncertain Significance. An algorithm developed to predict the effect of missense changes on protein structure and function (PolyPhen-2) suggests that this variant is likely to be tolerated. This variant has not been reported in the literature in individuals affected with MLH3-related conditions. This variant is not present in population databases (gnomAD no frequency). This sequence change replaces threonine, which is neutral and polar, with serine, which is neutral and polar, at codon 579 of the MLH3 protein (p.Thr579Ser).